The following is an entry in ClinVar:

ClinVar aggregate classification (germline): Uncertain significance (1 of 4 stars; one submission).

Conditions:
Cortical dysplasia-focal epilepsy syndrome (PTHSL1). Also called: Pitt-Hopkins-like syndrome 1. Identifiers: Orphanet 163681, Orphanet 221150, MedGen C2750246, MONDO:0012400, OMIM 610042.

Submission:

Labcorp Genetics (formerly Invitae), Labcorp
Classification: Uncertain significance for Cortical dysplasia-focal epilepsy syndrome. Last evaluated: 2021-06-06. Review status: criteria provided, single submitter. Criteria: Invitae Variant Classification Sherloc (09022015). Collection method: clinical testing. Allele origin: germline.
Comment: This sequence change replaces glutamine with histidine at codon 769 of the CNTNAP2 protein (p.Gln769His). The glutamine residue is highly conserved and there is a small physicochemical difference between glutamine and histidine. This variant is not present in population databases (ExAC no frequency). This variant has not been reported in the literature in individuals with CNTNAP2-related conditions. Algorithms developed to predict the effect of missense changes on protein structure and function are either unavailable or do not agree on the potential impact of this missense change (SIFT: "Deleterious"; PolyPhen-2: "Benign"; Align-GVGD: "Class C15"). In summary, the available evidence is currently insufficient to determine the role of this variant in disease. Therefore, it has been classified as a Variant of Uncertain Significance.

NM_014141.6(CNTNAP2):c.2307A>C (p.Gln769His)

Gene: CNTNAP2 (contactin associated protein 2; plus strand). Cytogenetic location: 7q35.
Variant type: single nucleotide variant.
Coding change: c.2307A>C on transcript NM_014141.6 (MANE Select); coding-DNA position 2307, A replaced by C.
Protein change: p.Gln769His; replaces glutamine 769 with histidine.
Molecular consequence: missense variant.
Genome position (GRCh38, 1-based): chr7:147,977,913, A>C. VCF-style: chr7-147977913-A-C. GRCh37 (hg19) VCF-style: chr7-147675005-A-C.
Other names: short protein forms Q769H.
Identifiers: ClinVar variation 1496782 (VCV001496782.8), dbSNP rs761592112, ClinGen allele CA369927661.
Genomic context (GRCh38, chr7:147,977,913, plus strand): 5'-GTGATCCAGGAGGAAGGATGCTGGTTTCTTATCATACAAAGATCACCTGCCAGTGAGCCA[A>C]GTGGTGGTTGGAGATACTGACCGTCAAGGCTCAGAAGCCAAATTGAGCGTAGGTCCTCTG-3'
Protein context (NP_054860.1, residues 759-779): LSYKDHLPVS[Gln769His]VVVGDTDRQG